The following is an entry in ClinVar:

ClinVar aggregate classification (germline): Pathogenic (1 of 4 stars; one submission).

Conditions:
Cornelia de Lange syndrome 1 (CDLS1). Also called: Brachmann de Lange syndrome; NIPBL-Related Cornelia de Lange Syndrome; TYPUS DEGENERATIVUS AMSTELODAMENSIS. Identifiers: Orphanet 199, MedGen C4551851, MONDO:0007387, OMIM 122470.

Submission:

Labcorp Genetics (formerly Invitae), Labcorp
Classification: Pathogenic for Cornelia de Lange syndrome 1. Last evaluated: 2018-09-19. Review status: criteria provided, single submitter. Criteria: Invitae Variant Classification Sherloc (09022015). Collection method: clinical testing. Allele origin: germline.
Comment: This sequence change creates a premature translational stop signal (p.Tyr1085Metfs*88) in the NIPBL gene. It is expected to result in an absent or disrupted protein product. This variant is not present in population databases (ExAC no frequency). This variant has not been reported in the literature in individuals with NIPBL-related disease. Loss-of-function variants in NIPBL are known to be pathogenic (PMID: 15318302, 19763162, 23505322, 29995837). For these reasons, this variant has been classified as Pathogenic.

NM_133433.4(NIPBL):c.3253del (p.Tyr1085fs)

Gene: NIPBL (NIPBL cohesin loading factor; plus strand). Cytogenetic location: 5p13.2.
Variant type: Deletion.
Coding change: c.3253del on transcript NM_133433.4 (MANE Select); coding-DNA position 3253, one base deleted (T; older notation c.3253delT).
Protein change: p.Tyr1085fs; shifts the reading frame from tyrosine 1085.
Molecular consequence: frameshift variant.
Genome position (GRCh38, 1-based): chr5:36,995,753, T deleted. VCF-style (leftmost placement, unchanged base first): chr5-36995752-AT-A. GRCh37 (hg19) VCF-style: chr5-36995854-AT-A.
Other names: c.3253del, p.Tyr1085fs (NM_015384.5); short protein forms Y1085fs.
Identifiers: ClinVar variation 647925 (VCV000647925.1), dbSNP rs1580425629, ClinGen allele CA915943328.